The following is an entry in ClinVar:

ClinVar aggregate classification (germline): Pathogenic. Review status: criteria provided, multiple submitters, no conflicts (2 of 4 stars). 9 submissions from 9 submitters: Pathogenic (7). 2 of the submissions do not count toward it. Last evaluated 2026-08-01.

Conditions:
ANKRD11-related disorder. Also called: ANKRD11-related condition.
KBG syndrome (KBGS). Also called: ANKRD11-Related KBG Syndrome. Identifiers: Orphanet 2332, MedGen C0220687, MONDO:0007846, OMIM 148050.
Inborn genetic diseases. Identifiers: MedGen C0950123, MeSH D030342.

Submissions (9):

CeGaT Center for Human Genetics Tuebingen
Classification: Pathogenic. Last evaluated: 2026-08-01. Review status: criteria provided, single submitter. Criteria: CeGaT Center For Human Genetics Tuebingen Variant Classification Criteria Version 2. Collection method: clinical testing. Allele origin: germline. Affected: yes. Observed: 1 variant allele.
Comment: ANKRD11: PVS1, PM2, PS2:Moderate, PS4:Moderate

3billion
Classification: Pathogenic for KBG syndrome. Last evaluated: 2025-04-02. Review status: criteria provided, single submitter. Criteria: ACMG Guidelines, 2015. Collection method: clinical testing. Allele origin: germline. Affected: yes.
Comment: The variant is not observed in the gnomAD v4.1.0 dataset. Predicted Consequence/Location: Frameshift: predicted to result in a loss or disruption of normal protein function through nonsense-mediated decay (NMD) or protein truncation. Multiple pathogenic variants are reported downstream of the variant. The variant has been previously reported as de novo in a similarly affected individual (PMID: 32124548). The variant has been reported at least twice as pathogenic with clinical assertions and evidence for the classification (ClinVar ID: VCV000817640 / PMID: 32124548). Therefore, this variant is classified as Pathogenic according to the recommendation of ACMG/AMP guideline.

Labcorp Genetics (formerly Invitae), Labcorp
Classification: Pathogenic for KBG syndrome. Last evaluated: 2023-05-25. Review status: criteria provided, single submitter. Criteria: Invitae Variant Classification Sherloc (09022015). Collection method: clinical testing. Allele origin: germline.
Comment: This sequence change creates a premature translational stop signal (p.Lys1464Thrfs*89) in the ANKRD11 gene. It is expected to result in an absent or disrupted protein product. Loss-of-function variants in ANKRD11 are known to be pathogenic (PMID: 21782149, 25125236, 25413698, 25652421). This variant is not present in population databases (gnomAD no frequency). This variant has not been reported in the literature in individuals affected with ANKRD11-related conditions. ClinVar contains an entry for this variant (Variation ID: 817640). For these reasons, this variant has been classified as Pathogenic.

Blueprint Genetics
Classification: Pathogenic for ANKRD11-related disorders. Last evaluated: 2022-07-14. Review status: criteria provided, single submitter. Criteria: ACMG Guidelines, 2015. Collection method: clinical testing. Allele origin: germline. Affected: yes. Observed: 2 variant alleles.

GeneDx
Classification: Pathogenic. Last evaluated: 2021-11-17. Review status: criteria provided, single submitter. Criteria: GeneDx Variant Classification Process June 2021. Collection method: clinical testing. Allele origin: germline. Affected: yes.
Comment: Frameshift variant predicted to result in protein truncation or nonsense mediated decay in a gene for which loss-of-function is a known mechanism of disease; Not observed in large population cohorts (Lek et al., 2016); This variant is associated with the following publications: (PMID: 31703437, 27605097, 25424714, 32124548)

Institute of Medical Genetics and Applied Genomics, University Hospital Tübingen
Classification: Pathogenic. Last evaluated: 2021-06-17. Review status: criteria provided, single submitter. Criteria: ACMG Guidelines, 2015. Collection method: clinical testing. Allele origin: germline. Inheritance: Autosomal dominant inheritance. Affected: yes.

Ambry Genetics
Classification: Pathogenic for Inborn genetic diseases. Last evaluated: 2019-05-31. Review status: criteria provided, single submitter. Criteria: Ambry Variant Classification Scheme 2023. Collection method: clinical testing. Allele origin: germline.
Comment: The c.4389_4390delGA pathogenic mutation, located in coding exon 7 of the ANKRD11 gene, results from a deletion of two nucleotides at nucleotide positions 4389 to 4390, causing a translational frameshift with a predicted alternate stop codon (p.K1464Tfs*89). This alteration is expected to result in loss of function by premature protein truncation or nonsense-mediated mRNA decay. As such, this alteration is interpreted as a disease-causing mutation.

Molecular Genetics laboratory, Necker Hospital
Classification: Pathogenic. Last evaluated: 2021-03-10. Review status: no assertion criteria provided. Collection method: clinical testing. Allele origin: de novo. Affected: yes. Not counted in ClinVar's aggregate classification.

Autoinflammatory diseases unit, CHU de Montpellier
Classification: Pathogenic for KBG syndrome. Last evaluated: 2019-03-20. Review status: no assertion criteria provided. Collection method: clinical testing. Allele origin: inherited. Affected: yes. Not counted in ClinVar's aggregate classification.

Literature cited by the submitters: PubMed 32124548 (cited by 3billion); PubMed 21782149 (cited by Labcorp Genetics (formerly Invitae), Labcorp); PubMed 25125236 (cited by Labcorp Genetics (formerly Invitae), Labcorp); PubMed 25413698 (cited by Labcorp Genetics (formerly Invitae), Labcorp); PubMed 25652421 (cited by Labcorp Genetics (formerly Invitae), Labcorp).

NM_013275.6(ANKRD11):c.4389_4390del (p.Lys1464fs)

Gene: ANKRD11 (ankyrin repeat domain 11; minus strand). Cytogenetic location: 16q24.3.
Variant type: Microsatellite.
Coding change: c.4389_4390del on transcript NM_013275.6 (MANE Select); coding-DNA positions 4389 to 4390, 2 bases deleted (GA; older notation c.4389_4390delGA).
Protein change: p.Lys1464fs; shifts the reading frame from lysine 1464.
Molecular consequence: frameshift variant.
Genome position (GRCh38, 1-based): chr16:89,282,152-89,282,153, TC deleted on the plus strand (GA on the coding strand, the reverse complement: ANKRD11 is on the minus strand); deleting any 2 consecutive bases within chr16:89,282,152-89,282,160 gives the same sequence; the c. name uses the placement nearest the transcript's 3' end. VCF-style (leftmost placement, unchanged base first): chr16-89282151-TTC-T. GRCh37 (hg19) VCF-style: chr16-89348559-TTC-T.
Other names: c.4389_4390del, p.Lys1464fs (NM_001256182.2, NM_001256183.2); c.4389_4390delGA (NM_013275.5); short protein forms K1464fs.
Identifiers: ClinVar variation 817640 (VCV000817640.22), dbSNP rs1597451815, ClinGen allele CA915949417.
Genomic context (GRCh38, chr16:89,282,151, plus strand): 5'-AGCCCATCCGCATGCCTGTCCCGGTGCCTCTCCTTCTCGTCTCTCCATTTCTCCCTGTGT[TTC>T]TCTCTCTTCTTCTTCTCTTTTAGGATGTTGATGGCACTAGATCCATAAGGCTTTAGTTCC-3'